The following is an entry in ClinVar:

ClinVar aggregate classification (germline): Uncertain significance (1 of 4 stars; one submission).

Submission:

Labcorp Genetics (formerly Invitae), Labcorp
Classification: Uncertain significance. Last evaluated: 2025-07-19. Review status: criteria provided, single submitter. Criteria: Invitae Variant Classification Sherloc (09022015). Collection method: clinical testing. Allele origin: germline.
Comment: This sequence change replaces alanine, which is neutral and non-polar, with proline, which is neutral and non-polar, at codon 265 of the FH protein (p.Ala265Pro). This variant is not present in population databases (gnomAD no frequency). This variant has not been reported in the literature in individuals affected with FH-related conditions. ClinVar contains an entry for this variant (Variation ID: 2755065). Invitae Evidence Modeling of protein sequence and biophysical properties (such as structural, functional, and spatial information, amino acid conservation, physicochemical variation, residue mobility, and thermodynamic stability) indicates that this missense variant is expected to disrupt FH protein function with a positive predictive value of 95%. In summary, the available evidence is currently insufficient to determine the role of this variant in disease. Therefore, it has been classified as a Variant of Uncertain Significance.

NM_000143.4(FH):c.793G>C (p.Ala265Pro)

Gene: FH (fumarate hydratase; minus strand). Cytogenetic location: 1q43.
Variant type: single nucleotide variant.
Coding change: c.793G>C on transcript NM_000143.4 (MANE Select); coding-DNA position 793, G replaced by C.
Protein change: p.Ala265Pro; replaces alanine 265 with proline.
Molecular consequence: missense variant.
Genome position (GRCh38, 1-based): chr1:241,506,114, C>G on the plus strand (G>C on the coding strand, the complement: FH is on the minus strand). VCF-style: chr1-241506114-C-G. GRCh37 (hg19) VCF-style: chr1-241669414-C-G.
Other names: short protein forms A265P.
Identifiers: ClinVar variation 2755065 (VCV002755065.3), dbSNP rs387906545, ClinGen allele CA345439011.
Genomic context (GRCh38, chr1:241,506,114, plus strand): 5'-TATTTAAACCTGTACCAACAGCAGTGCCTCCAGCTGCGAGCTCATAGATTCTTGGCATGG[C>G]AGCTTTTATTCTTGTCATTGCATATTTTACTTGTTGAACATAACCACTAAATTCCTGAAA-3'
Protein context (NP_000134.2, residues 255-275): VKYAMTRIKA[Ala265Pro]MPRIYELAAG